The following is an entry in ClinVar:

ClinVar aggregate classification (germline): Uncertain significance (1 of 4 stars; one submission).

Conditions:
Hypermethioninemia with deficiency of S-adenosylhomocysteine hydrolase. Identifiers: Orphanet 88618, MedGen C3151058, MONDO:0013404, OMIM 613752.

gnomAD v4.1: 2 of 1,614,122 alleles (0.00012%); highest among the groups gnomAD compares: Non-Finnish European, 0.00017%; no homozygotes.

Submission:

Labcorp Genetics (formerly Invitae), Labcorp
Classification: Uncertain significance for Hypermethioninemia with deficiency of S-adenosylhomocysteine hydrolase. Last evaluated: 2025-09-02. Review status: criteria provided, single submitter. Criteria: Invitae Variant Classification Sherloc (09022015). Collection method: clinical testing. Allele origin: germline.
Comment: This sequence change replaces methionine, which is neutral and non-polar, with valine, which is neutral and non-polar, at codon 358 of the AHCY protein (p.Met358Val). This variant is not present in population databases (gnomAD no frequency). This variant has not been reported in the literature in individuals affected with AHCY-related conditions. Invitae Evidence Modeling of protein sequence and biophysical properties (such as structural, functional, and spatial information, amino acid conservation, physicochemical variation, residue mobility, and thermodynamic stability) indicates that this missense variant is expected to disrupt AHCY protein function with a positive predictive value of 95%. Algorithms developed to predict the effect of sequence changes on RNA splicing suggest that this variant may create or strengthen a splice site. In summary, the available evidence is currently insufficient to determine the role of this variant in disease. Therefore, it has been classified as a Variant of Uncertain Significance.

NM_000687.4(AHCY):c.1072A>G (p.Met358Val)

Gene: AHCY (adenosylhomocysteinase; minus strand). Cytogenetic location: 20q11.22.
Variant type: single nucleotide variant.
Coding change: c.1072A>G on transcript NM_000687.4 (MANE Select); coding-DNA position 1072, A replaced by G.
Protein change: p.Met358Val; replaces methionine 358 with valine.
Molecular consequence: missense variant.
Genome position (GRCh38, 1-based): chr20:34,285,535, T>C on the plus strand (A>G on the coding strand, the complement: AHCY is on the minus strand). VCF-style: chr20-34285535-T-C. GRCh37 (hg19) VCF-style: chr20-32873341-T-C.
Other names: c.988A>G, p.Met330Val (NM_001161766.2, NM_001322084.2, NM_001322085.2); c.1078A>G, p.Met360Val (NM_001322086.2); c.1072A>G, p.Met358Val (NM_001362750.2); short protein forms M360V, M330V, M358V.
Identifiers: ClinVar variation 4746908 (VCV004746908.1).
Genomic context (GRCh38, chr20:34,285,535, plus strand): 5'-TGTCTGGATGGGTCCACAGCTCGATCTGCGCCATCACCTGGTTGGTGAAGGAGTTACTCA[T>C]CACGAAGCTGGGGTGGCCCATGGCACAACCCAGGTTGACCAGCCGACCCTCGGCCAGCAG-3'
Protein context (NP_000678.1, residues 348-368): GCAMGHPSFV[Met358Val]SNSFTNQVMA